The following is an entry in ClinVar:

NM_001105206.3(LAMA4):c.1094G>A (p.Arg365Lys)

Gene: LAMA4 (laminin subunit alpha 4; minus strand). Cytogenetic location: 6q21.
Variant type: single nucleotide variant.
Coding change: c.1094G>A on transcript NM_001105206.3 (MANE Select); coding-DNA position 1094, G replaced by A.
Protein change: p.Arg365Lys; replaces arginine 365 with lysine.
Molecular consequence: missense variant.
Genome position (GRCh38, 1-based): chr6:112,178,216, C>T on the plus strand (G>A on the coding strand, the complement: LAMA4 is on the minus strand). VCF-style: chr6-112178216-C-T. GRCh37 (hg19) VCF-style: chr6-112499418-C-T.
Other names: c.1073G>A, p.Arg358Lys (NM_001105207.3, NM_002290.5); c.1073G>A (NM_002290.4); short protein forms R358K, R365K.
Identifiers: ClinVar variation 4844123 (VCV004844123.2).

ClinVar aggregate classification (germline): Uncertain significance. Review status: criteria provided, multiple submitters, no conflicts (2 of 4 stars). 2 submissions from 2 submitters: Uncertain significance (2). Last evaluated 2026-01-17.

Conditions:
Cardiovascular phenotype. Identifiers: MedGen CN230736.
LAMA4-related disorder. Also called: LAMA4-related condition.

gnomAD v4.1: 1 of 1,613,382 alleles (0.000062%); highest among the groups gnomAD compares: Admixed American, 0.0017%; no homozygotes.

Submissions (2):

Ambry Genetics
Classification: Uncertain significance for Cardiovascular phenotype. Last evaluated: 2026-01-17. Review status: criteria provided, single submitter. Criteria: Ambry Variant Classification Scheme 2023. Collection method: clinical testing. Allele origin: germline.
Comment: The p.R358K variant (also known as c.1073G>A), located in coding exon 9 of the LAMA4 gene, results from a G to A substitution at nucleotide position 1073. The arginine at codon 358 is replaced by lysine, an amino acid with highly similar properties. This amino acid position is conserved. In addition, this alteration is predicted to be tolerated by in silico analysis. Based on the available evidence, the clinical significance of this variant remains unclear.

PreventionGenetics, part of Exact Sciences
Classification: Uncertain significance for LAMA4-related condition. Last evaluated: 2025-03-07. Review status: criteria provided, single submitter. Criteria: ACMG Guidelines, 2015. Collection method: clinical testing. Allele origin: germline.
Comment: The LAMA4 c.1073G>A variant is predicted to result in the amino acid substitution p.Arg358Lys. To our knowledge, this variant has not been reported in the literature or in a large population database (gnomAD), indicating this variant is rare. At this time, the clinical significance of this variant is uncertain due to the absence of conclusive functional and genetic evidence.